The following is an entry in ClinVar:

ClinVar aggregate classification (germline): Likely pathogenic (1 of 4 stars; one submission).

Conditions:
Autosomal recessive polycystic kidney disease (ARPKD). Also called: AR polycystic kidney disease. Identifiers: Orphanet 731, Orphanet 8378, MedGen C0085548, MeSH D017044, MONDO:0009889.

Submission:

Women's Health and Genetics/Laboratory Corporation of America, LabCorp
Classification: Likely pathogenic for Autosomal recessive polycystic kidney disease. Last evaluated: 2026-01-20. Review status: criteria provided, single submitter. Criteria: LabCorp Variant Classification Summary - May 2015. Collection method: clinical testing. Allele origin: germline.
Comment: Variant summary: The variant involves the duplication of exons 37-43 in the PKHD1 gene. A presumed nomenclature of c.(5908+1_5909-1)_(6996+1_6997-1)dup has been designated for the purposes of this classification. It is assumed to be a tandem duplication in direct orientation (PMIDs: 25640679, 30054569). This Copy Number Variant (CNV) is expected to alter the reading frame and predicted to result in a truncation or absence of the encoded protein due to nonsense mediated decay (NMD). Loss-of-function variants in this gene are known to be pathogenic. The variant was absent in 21578 control chromosomes. To our knowledge, no occurrence of c.(5908+1_5909-1)_(6996+1_6997-1)dup in individuals affected with PKHD1-related conditions and no experimental evidence demonstrating its impact on protein function have been reported. ClinVar contains an entry for this variant (Variation ID: 2427257). Based on the evidence outlined above, the variant was classified as likely pathogenic.

NC_000006.11:g.(51752044_51768394)_(51799121_51824667)dup

Gene: PKHD1 (PKHD1 ciliary IPT domain containing fibrocystin/polyductin; minus strand). Cytogenetic location: 6p12.3-12.2.
Variant type: Duplication.
Identifiers: ClinVar variation 4689246 (VCV004689246.1).